The following is an entry in ClinVar:

ClinVar aggregate classification (germline): Uncertain significance (1 of 4 stars; one submission).

Submission:

Labcorp Genetics (formerly Invitae), Labcorp
Classification: Uncertain significance. Last evaluated: 2025-04-14. Review status: criteria provided, single submitter. Criteria: Invitae Variant Classification Sherloc (09022015). Collection method: clinical testing. Allele origin: germline.
Comment: This sequence change replaces isoleucine, which is neutral and non-polar, with methionine, which is neutral and non-polar, at codon 288 of the AIMP2 protein (p.Ile288Met). This variant is not present in population databases (gnomAD no frequency). This variant has not been reported in the literature in individuals affected with AIMP2-related conditions. ClinVar contains an entry for this variant (Variation ID: 2007981). An algorithm developed to predict the effect of missense changes on protein structure and function (PolyPhen-2) suggests that this variant is likely to be tolerated. In summary, the available evidence is currently insufficient to determine the role of this variant in disease. Therefore, it has been classified as a Variant of Uncertain Significance.

NM_006303.4(AIMP2):c.864C>G (p.Ile288Met)

Genes: AIMP2 (aminoacyl tRNA synthetase complex interacting multifunctional protein 2; plus strand), EIF2AK1 (eukaryotic translation initiation factor 2 alpha kinase 1; minus strand). Cytogenetic location: 7p22.1.
Variant type: single nucleotide variant.
Coding change: c.864C>G on transcript NM_006303.4 (MANE Select); coding-DNA position 864, C replaced by G.
Protein change: p.Ile288Met; replaces isoleucine 288 with methionine.
Molecular consequence: missense variant. On other transcripts: 3 prime UTR variant (2).
Genome position (GRCh38, 1-based): chr7:6,023,592, C>G. VCF-style: chr7-6023592-C-G. GRCh37 (hg19) VCF-style: chr7-6063223-C-G.
Other names: c.*1081G>C (NM_001134335.2, NM_014413.4); c.744C>G, p.Ile248Met (NM_001326606.2); c.657C>G, p.Ile219Met (NM_001326607.2); c.630C>G, p.Ile210Met (NM_001326609.2, NM_001326610.2, NM_001326611.3); c.777C>G, p.Ile259Met (NM_001362785.2); c.732C>G, p.Ile244Met (NM_001362787.2); short protein forms I219M, I248M, I288M, I244M, I210M, I259M.
Identifiers: ClinVar variation 2007981 (VCV002007981.4), dbSNP rs367931587, ClinGen allele CA366748259.
Genomic context (GRCh38, chr7:6,023,592, plus strand): 5'-GCTCGCTGGGAATGAACTCACCGTAGCAGACGTGGTGCTGTGGTCTGTACTCCAGCAGAT[C>G]GGAGGCTGCAGTGTGACAGTGCCAGCCAATGTGCAGAGGTGGATGAGGTCTTGTGAAAAC-3'
Protein context (NP_006294.2, residues 278-298): DVVLWSVLQQ[Ile288Met]GGCSVTVPAN